The following is an entry in ClinVar:

ClinVar aggregate classification (germline): Uncertain significance. Review status: criteria provided, multiple submitters, no conflicts (2 of 4 stars). 3 submissions from 3 submitters: Uncertain significance (3). Last evaluated 2024-12-25.

Conditions:
Primary ciliary dyskinesia. Also called: Ciliary dyskinesia. Identifiers: Orphanet 244, MedGen C0008780, MONDO:0016575, HP:0012265.

Allele frequency attached by ClinVar (database versions not stated): ExAC 0.00003; gnomAD 0.00012 and 0.00017; TOPMed 0.00014.
gnomAD v4.1: 39 of 1,611,834 alleles (0.0024%); highest among the groups gnomAD compares: African/African-American, 0.049%; no homozygotes.

Submissions (3):

Ambry Genetics
Classification: Uncertain significance. Last evaluated: 2024-12-25. Review status: criteria provided, single submitter. Criteria: Ambry Variant Classification Scheme 2023. Collection method: clinical testing. Allele origin: germline.

Labcorp Genetics (formerly Invitae), Labcorp
Classification: Uncertain significance for Primary ciliary dyskinesia. Last evaluated: 2023-12-01. Review status: criteria provided, single submitter. Criteria: Invitae Variant Classification Sherloc (09022015). Collection method: clinical testing. Allele origin: germline.
Comment: This sequence change replaces proline, which is neutral and non-polar, with serine, which is neutral and polar, at codon 146 of the DNAH8 protein (p.Pro146Ser). This variant is present in population databases (rs753060938, gnomAD 0.07%). This variant has not been reported in the literature in individuals affected with DNAH8-related conditions. ClinVar contains an entry for this variant (Variation ID: 841186). Algorithms developed to predict the effect of missense changes on protein structure and function output the following: SIFT: "Not Available"; PolyPhen-2: "Not Available"; Align-GVGD: "Not Available". The serine amino acid residue is found in multiple mammalian species, which suggests that this missense change does not adversely affect protein function. In summary, the available evidence is currently insufficient to determine the role of this variant in disease. Therefore, it has been classified as a Variant of Uncertain Significance.

GeneDx
Classification: Uncertain significance. Last evaluated: 2022-04-20. Review status: criteria provided, single submitter. Criteria: GeneDx Variant Classification Process June 2021. Collection method: clinical testing. Allele origin: germline. Affected: yes.
Comment: In silico analysis supports that this missense variant does not alter protein structure/function; Has not been previously published as pathogenic or benign to our knowledge

NM_001206927.2(DNAH8):c.436C>T (p.Pro146Ser)

Genes: DNAH8 (dynein axonemal heavy chain 8; plus strand), LOC126859667 (BRD4-independent group 4 enhancer GRCh37_chr6:38690326-38691525; plus strand). Cytogenetic location: 6p21.2.
Variant type: single nucleotide variant.
Coding change: c.436C>T on transcript NM_001206927.2 (MANE Select); coding-DNA position 436, C replaced by T.
Protein change: p.Pro146Ser; replaces proline 146 with serine.
Molecular consequence: missense variant. On other transcripts: 5 prime UTR variant (1).
Genome position (GRCh38, 1-based): chr6:38,723,382, C>T. VCF-style: chr6-38723382-C-T. GRCh37 (hg19) VCF-style: chr6-38691158-C-T.
Other names: c.-131C>T (NM_001371.4); short protein forms P146S.
Identifiers: ClinVar variation 841186 (VCV000841186.11), dbSNP rs753060938, ClinGen allele CA3787943.